The following is an entry in ClinVar:

ClinVar aggregate classification (germline): Likely benign (0 of 4 stars; one submission).

Conditions:
SNAP29-related disorder. Also called: SNAP29-related condition.

Allele frequency attached by ClinVar (database versions not stated): gnomAD exomes below 0.00001.
gnomAD v4.1: 2 of 1,599,660 alleles (0.00013%); highest among the groups gnomAD compares: Non-Finnish European, 0.000085%; no homozygotes.

Submission:

PreventionGenetics, part of Exact Sciences
Classification: Likely benign for SNAP29-related condition. Last evaluated: 2021-02-22. Review status: no assertion criteria provided. Collection method: clinical testing. Allele origin: germline.
Comment: This variant is classified as likely benign based on ACMG/AMP sequence variant interpretation guidelines (Richards et al. 2015 PMID: 25741868, with internal and published modifications).

NM_004782.4(SNAP29):c.-3A>G

Gene: SNAP29 (synaptosome associated protein 29; plus strand). Cytogenetic location: 22q11.21.
Variant type: single nucleotide variant.
Coding change: c.-3A>G on transcript NM_004782.4 (MANE Select); 3 bases upstream of the start codon, A replaced by G.
Molecular consequence: 5 prime UTR variant.
Genome position (GRCh38, 1-based): chr22:20,859,108, A>G. VCF-style: chr22-20859108-A-G. GRCh37 (hg19) VCF-style: chr22-21213396-A-G.
Identifiers: ClinVar variation 3054427 (VCV003054427.2), dbSNP rs1569111950, ClinGen allele CA2396575426.
Genomic context (GRCh38, chr22:20,859,108, plus strand): 5'-CTGGACGGCGGCGGCAGTGGGGCTCCTCCTTCTGTTTCCCAGACCGAGAGCCGCGCCGGC[A>G]CCATGTCAGCTTACCCTAAAAGCTACAATCCGTTCGACGACGACGGGGAGGACGAAGGCG-3'